The following is an entry in ClinVar:

NM_000512.5(GALNS):c.1016T>G (p.Leu339Arg)

Gene: GALNS (galactosamine (N-acetyl)-6-sulfatase; minus strand). Cytogenetic location: 16q24.3.
Variant type: single nucleotide variant.
Coding change: c.1016T>G on transcript NM_000512.5 (MANE Select); coding-DNA position 1016, T replaced by G.
Protein change: p.Leu339Arg; replaces leucine 339 with arginine.
Molecular consequence: missense variant.
Genome position (GRCh38, 1-based): chr16:88,826,825, A>C on the plus strand (T>G on the coding strand, the complement: GALNS is on the minus strand). VCF-style: chr16-88826825-A-C. GRCh37 (hg19) VCF-style: chr16-88893233-A-C.
Other names: c.461T>G, p.Leu154Arg (NM_001323543.2); c.1034T>G, p.Leu345Arg (NM_001323544.2); short protein forms L154R, L339R, L345R.
Identifiers: ClinVar variation 1016764 (VCV001016764.8), dbSNP rs1244322663, ClinGen allele CA397098649.
Genomic context (GRCh38, chr16:88,826,825, plus strand): 5'-CTGGGCGGCGTCAGGCCCGCAAGGGCCAGGCTGGTGGTGAAGAGGTCCATGATGCTGCCC[A>C]GCTGGTGGCTCACCTGAAACACATGGCAGCAACACGGTCAGGGCACTCTGCACCGACCCG-3'
Protein context (NP_000503.1, residues 329-349): HVTAGQVSHQ[Leu339Arg]GSIMDLFTTS

ClinVar aggregate classification (germline): Uncertain significance (1 of 4 stars; one submission).

Conditions:
Mucopolysaccharidosis, MPS-IV-A (MPS4A). Also called: Morquio syndrome A, mild; MORQUIO SYNDROME A; Mucopolysaccharidosis type IV A; Mucopolysaccharidosis Type IVA; GALACTOSAMINE-6-SULFATASE DEFICIENCY; GALNS DEFICIENCY. Identifiers: Orphanet 309297, Orphanet 582, MedGen C0086651, MONDO:0009659, OMIM 253000.

Submission:

Labcorp Genetics (formerly Invitae), Labcorp
Classification: Uncertain significance for Mucopolysaccharidosis, MPS-IV-A. Last evaluated: 2020-07-31. Review status: criteria provided, single submitter. Criteria: Invitae Variant Classification Sherloc (09022015). Collection method: clinical testing. Allele origin: germline.
Comment: In summary, the available evidence is currently insufficient to determine the role of this variant in disease. Therefore, it has been classified as a Variant of Uncertain Significance. Advanced modeling of protein sequence and biophysical properties (such as structural, functional, and spatial information, amino acid conservation, physicochemical variation, residue mobility, and thermodynamic stability) performed at Invitae indicates that this missense variant is expected to disrupt GALNS protein function. This variant has not been reported in the literature in individuals with GALNS-related conditions. This variant is not present in population databases (ExAC no frequency). This sequence change replaces leucine with arginine at codon 339 of the GALNS protein (p.Leu339Arg). The leucine residue is highly conserved and there is a moderate physicochemical difference between leucine and arginine.